The following is an entry in ClinVar:

ClinVar aggregate classification (germline): Uncertain significance (1 of 4 stars; one submission).

gnomAD v4.1: 2 of 1,459,554 alleles (0.00014%); highest among the groups gnomAD compares: East Asian, 0.0052%; no homozygotes.

Submission:

Labcorp Genetics (formerly Invitae), Labcorp
Classification: Uncertain significance. Last evaluated: 2024-11-17. Review status: criteria provided, single submitter. Criteria: Invitae Variant Classification Sherloc (09022015). Collection method: clinical testing. Allele origin: germline.
Comment: This sequence change replaces histidine, which is basic and polar, with glutamine, which is neutral and polar, at codon 367 of the WNT1 protein (p.His367Gln). This variant is not present in population databases (gnomAD no frequency). This variant has not been reported in the literature in individuals affected with WNT1-related conditions. Invitae Evidence Modeling of protein sequence and biophysical properties (such as structural, functional, and spatial information, amino acid conservation, physicochemical variation, residue mobility, and thermodynamic stability) indicates that this missense variant is not expected to disrupt WNT1 protein function with a negative predictive value of 80%. In summary, the available evidence is currently insufficient to determine the role of this variant in disease. Therefore, it has been classified as a Variant of Uncertain Significance.

NM_005430.4(WNT1):c.1101C>A (p.His367Gln)

Gene: WNT1 (Wnt family member 1; plus strand). Cytogenetic location: 12q13.12.
Variant type: single nucleotide variant.
Coding change: c.1101C>A on transcript NM_005430.4 (MANE Select); coding-DNA position 1101, C replaced by A.
Protein change: p.His367Gln; replaces histidine 367 with glutamine.
Molecular consequence: missense variant.
Genome position (GRCh38, 1-based): chr12:48,981,628, C>A. VCF-style: chr12-48981628-C-A. GRCh37 (hg19) VCF-style: chr12-49375411-C-A.
Other names: short protein forms H367Q.
Identifiers: ClinVar variation 3702131 (VCV003702131.2).